The following is an entry in ClinVar:

ClinVar aggregate classification (germline): Uncertain significance (1 of 4 stars; one submission).

Allele frequency attached by ClinVar (database versions not stated): gnomAD exomes below 0.00001 and 0.00003; TOPMed 0.00001; ExAC 0.00002.
gnomAD v4.1: 7 of 1,614,254 alleles (0.00043%); highest among the groups gnomAD compares: East Asian, 0.013%; no homozygotes.

Submission:

Labcorp Genetics (formerly Invitae), Labcorp
Classification: Uncertain significance. Last evaluated: 2022-08-13. Review status: criteria provided, single submitter. Criteria: Invitae Variant Classification Sherloc (09022015). Collection method: clinical testing. Allele origin: germline.
Comment: In summary, the available evidence is currently insufficient to determine the role of this variant in disease. Therefore, it has been classified as a Variant of Uncertain Significance. Algorithms developed to predict the effect of missense changes on protein structure and function (SIFT, PolyPhen-2, Align-GVGD) all suggest that this variant is likely to be tolerated. ClinVar contains an entry for this variant (Variation ID: 1005525). This variant has not been reported in the literature in individuals affected with NFE2L2-related conditions. This variant is present in population databases (rs768355230, gnomAD 0.04%). This sequence change replaces proline, which is neutral and non-polar, with leucine, which is neutral and non-polar, at codon 409 of the NFE2L2 protein (p.Pro409Leu).

NM_006164.5(NFE2L2):c.1226C>T (p.Pro409Leu)

Gene: NFE2L2 (NFE2 like bZIP transcription factor 2; minus strand). Cytogenetic location: 2q31.2.
Variant type: single nucleotide variant.
Coding change: c.1226C>T on transcript NM_006164.5 (MANE Select); coding-DNA position 1226, C replaced by T.
Protein change: p.Pro409Leu; replaces proline 409 with leucine.
Molecular consequence: missense variant.
Genome position (GRCh38, 1-based): chr2:177,231,377, G>A on the plus strand (C>T on the coding strand, the complement: NFE2L2 is on the minus strand). VCF-style: chr2-177231377-G-A. GRCh37 (hg19) VCF-style: chr2-178096105-G-A.
Other names: c.1178C>T, p.Pro393Leu (NM_001145412.3, NM_001313900.1, NM_001313901.1); c.1157C>T, p.Pro386Leu (NM_001145413.3); c.1136C>T, p.Pro379Leu (NM_001313902.2); c.1007C>T, p.Pro336Leu (NM_001313903.2); c.926C>T, p.Pro309Leu (NM_001313904.1); short protein forms P309L, P336L, P379L, P386L, P393L, P409L.
Identifiers: ClinVar variation 1005525 (VCV001005525.8), dbSNP rs768355230, ClinGen allele CA1979720.